The following is an entry in ClinVar:

ClinVar aggregate classification (germline): Conflicting classifications of pathogenicity. Review status: criteria provided, conflicting classifications (1 of 4 stars). 3 submissions from 3 submitters: Uncertain significance (1); Likely benign (1). 1 of the submissions does not count toward it. Last evaluated 2024-02-05.

Allele frequency attached by ClinVar (database versions not stated): gnomAD 0.00002 and 0.00003; TOPMed 0.00005.

Submissions (3):

Labcorp Genetics (formerly Invitae), Labcorp
Classification: Uncertain significance. Last evaluated: 2024-02-05. Review status: criteria provided, single submitter. Criteria: Invitae Variant Classification Sherloc (09022015). Collection method: clinical testing. Allele origin: germline.
Comment: This sequence change replaces aspartic acid, which is acidic and polar, with glutamic acid, which is acidic and polar, at codon 21 of the RINT1 protein (p.Asp21Glu). This variant is present in population databases (rs779952771, gnomAD 0.004%). This variant has not been reported in the literature in individuals affected with RINT1-related conditions. ClinVar contains an entry for this variant (Variation ID: 410813). Algorithms developed to predict the effect of missense changes on protein structure and function output the following: SIFT: "Not Available"; PolyPhen-2: "Benign"; Align-GVGD: "Not Available". The glutamic acid amino acid residue is found in multiple mammalian species, which suggests that this missense change does not adversely affect protein function. In summary, the available evidence is currently insufficient to determine the role of this variant in disease. Therefore, it has been classified as a Variant of Uncertain Significance.

Ambry Genetics
Classification: Likely benign. Last evaluated: 2020-07-02. Review status: criteria provided, single submitter. Criteria: Ambry Variant Classification Scheme 2023. Collection method: clinical testing. Allele origin: germline.

Department of Pathology and Laboratory Medicine, Sinai Health System
Classification: Uncertain significance. Review status: no assertion criteria provided. Collection method: clinical testing. Allele origin: unknown. Affected: yes. Study: The Canadian Open Genetics Repository (COGR). Not counted in ClinVar's aggregate classification.
Comment: The RINT1 p.Asp21Glu variant was not identified in the literature but was identified in dbSNP (ID: rs779952771) and ClinVar (classified as uncertain significance by Invitae). The variant was identified in control databases in 4 of 236956 chromosomes at a frequency of 0.00001688 (Genome Aggregation Database March 6, 2019, v2.1.1, non-cancer). The variant was observed in the European (non-Finnish) population in 4 of 102752 chromosomes (freq: 0.000039), but was not observed in the African, Latino, Ashkenazi Jewish, East Asian, European (Finnish), Other, or South Asian populations. The p.Asp21 residue is conserved in mammals but not in more distantly related organisms however computational analyses (PolyPhen-2, SIFT, AlignGVGD, BLOSUM, MutationTaster) do not suggest a high likelihood of impact to the protein; this information is not predictive enough to rule out pathogenicity. The variant occurs outside of the splicing consensus sequence and 3 of 4 in silico or computational prediction software programs (SpliceSiteFinder, MaxEntScan, NNSPLICE, GeneSplicer) predict a greater than 10% difference in splicing and the creation of a new 5' splice site. However, this has not been confirmed by RNA analysis and is not predictive enough to assume pathogenicity. In summary, based on the above information the clinical significance of this variant cannot be determined with certainty at this time. This variant is classified as a variant of uncertain significance.

NM_021930.6(RINT1):c.63C>G (p.Asp21Glu)

Gene: RINT1 (RAD50 interactor 1; plus strand). Cytogenetic location: 7q22.3.
Variant type: single nucleotide variant.
Coding change: c.63C>G on transcript NM_021930.6 (MANE Select); coding-DNA position 63, C replaced by G.
Protein change: p.Asp21Glu; replaces aspartic acid 21 with glutamic acid.
Molecular consequence: missense variant. On other transcripts: 5 prime UTR variant (4), non-coding transcript variant (1).
Genome position (GRCh38, 1-based): chr7:105,532,844, C>G. VCF-style: chr7-105532844-C-G. GRCh37 (hg19) VCF-style: chr7-105173291-C-G.
Other names: c.-35C>G (NM_001346599.2); c.-957C>G (NM_001346600.2); c.-860C>G (NM_001346601.2); c.-480C>G (NM_001346603.2); short protein forms D21E.
Identifiers: ClinVar variation 410813 (VCV000410813.13), dbSNP rs779952771, ClinGen allele CA4426333.